The following is an entry in ClinVar:

ClinVar aggregate classification (germline): Uncertain significance. Review status: criteria provided, multiple submitters, no conflicts (2 of 4 stars). 3 submissions from 3 submitters: Uncertain significance (3). Last evaluated 2024-11-11.

Conditions:
Neuromuscular disease caused by qualitative or quantitative defects of dysferlin. Also called: Dysferlinopathy; Qualitative or quantitative defects of dysferlin. Identifiers: Orphanet 207073, MedGen C2931687, MONDO:0016145.
Inborn genetic diseases. Identifiers: MedGen C0950123, MeSH D030342.

Allele frequency attached by ClinVar (database versions not stated): gnomAD exomes 0.00001 and 0.00002; TOPMed 0.00001; ExAC 0.00002; gnomAD 0.00002.
gnomAD v4.1: 8 of 1,614,086 alleles (0.0005%); highest among the groups gnomAD compares: Admixed American, 0.013%; no homozygotes.

Submissions (3):

Ambry Genetics
Classification: Uncertain significance for Inborn genetic diseases. Last evaluated: 2024-11-11. Review status: criteria provided, single submitter. Criteria: Ambry Variant Classification Scheme 2023. Collection method: clinical testing. Allele origin: germline.

Labcorp Genetics (formerly Invitae), Labcorp
Classification: Uncertain significance for Neuromuscular disease caused by qualitative or quantitative defects of dysferlin. Last evaluated: 2022-07-14. Review status: criteria provided, single submitter. Criteria: Invitae Variant Classification Sherloc (09022015). Collection method: clinical testing. Allele origin: germline.
Comment: This sequence change replaces leucine, which is neutral and non-polar, with histidine, which is basic and polar, at codon 899 of the DYSF protein (p.Leu899His). This variant is present in population databases (rs768637531, gnomAD 0.02%). This variant has not been reported in the literature in individuals affected with DYSF-related conditions. ClinVar contains an entry for this variant (Variation ID: 1410968). Advanced modeling of protein sequence and biophysical properties (such as structural, functional, and spatial information, amino acid conservation, physicochemical variation, residue mobility, and thermodynamic stability) performed at Invitae indicates that this missense variant is expected to disrupt DYSF protein function. In summary, the available evidence is currently insufficient to determine the role of this variant in disease. Therefore, it has been classified as a Variant of Uncertain Significance.

Revvity Omics, Revvity
Classification: Uncertain significance. Last evaluated: 2022-06-24. Review status: criteria provided, single submitter. Criteria: ACMG Guidelines, 2015. Collection method: clinical testing. Allele origin: germline.

NM_001130987.2(DYSF):c.2750T>A (p.Leu917His)

Gene: DYSF (dysferlin; plus strand). Cytogenetic location: 2p13.2.
Variant type: single nucleotide variant.
Coding change: c.2750T>A on transcript NM_001130987.2 (MANE Select); coding-DNA position 2750, T replaced by A.
Protein change: p.Leu917His; replaces leucine 917 with histidine.
Molecular consequence: missense variant.
Genome position (GRCh38, 1-based): chr2:71,568,224, T>A. VCF-style: chr2-71568224-T-A. GRCh37 (hg19) VCF-style: chr2-71795354-T-A.
Other names: c.2699T>A, p.Leu900His (NM_001130455.2, NM_001130983.2); c.2654T>A, p.Leu885His (NM_001130976.2, NM_001130977.2); c.2696T>A, p.Leu899His (NM_001130978.2, NM_003494.4); c.2789T>A, p.Leu930His (NM_001130979.2); c.2747T>A, p.Leu916His (NM_001130980.2, NM_001130981.2); c.2792T>A, p.Leu931His (NM_001130982.2); c.2657T>A, p.Leu886His (NM_001130984.2, NM_001130986.2); c.2750T>A, p.Leu917His (NM_001130985.2); and 1 more; short protein forms L917H, L885H, L930H, L931H, L899H, L900H, L886H, L916H.
Identifiers: ClinVar variation 1410968 (VCV001410968.7), dbSNP rs768637531, ClinGen allele CA1706278.